The following is an entry in ClinVar:

NM_139278.4(LGI3):c.36G>C (p.Pro12=)

Gene: LGI3 (leucine rich repeat LGI family member 3; minus strand). Cytogenetic location: 8p21.3.
Variant type: single nucleotide variant.
Coding change: c.36G>C on transcript NM_139278.4 (MANE Select); coding-DNA position 36, G replaced by C.
Protein change: p.Pro12=; no amino-acid change (proline 12 retained).
Molecular consequence: synonymous variant.
Genome position (GRCh38, 1-based): chr8:22,156,507, C>G on the plus strand (G>C on the coding strand, the complement: LGI3 is on the minus strand). VCF-style: chr8-22156507-C-G. GRCh37 (hg19) VCF-style: chr8-22014020-C-G.
Identifiers: ClinVar variation 3038054 (VCV003038054.2), dbSNP rs376564510, ClinGen allele CA4663782.

ClinVar aggregate classification (germline): Benign (0 of 4 stars; one submission).

Conditions:
LGI3-related disorder. Also called: LGI3-related condition.

Allele frequency attached by ClinVar (database versions not stated): ESP Exome Variant Server 0.00059; 1000 Genomes Project 0.02416; 1000 Genomes Project 30x 0.02530; gnomAD 0.02542; TOPMed 0.02830.
gnomAD v4.1: 8,246 of 1,399,390 alleles (0.59%); highest among the groups gnomAD compares: African/African-American, 8.6%; 277 homozygotes.

Submission:

PreventionGenetics, part of Exact Sciences
Classification: Benign for LGI3-related condition. Last evaluated: 2019-06-07. Review status: no assertion criteria provided. Collection method: clinical testing. Allele origin: germline.
Comment: This variant is classified as benign based on ACMG/AMP sequence variant interpretation guidelines (Richards et al. 2015 PMID: 25741868, with internal and published modifications).